The following is an entry in ClinVar:

ClinVar aggregate classification (germline): Uncertain significance (1 of 4 stars; one submission).

Submission:

Labcorp Genetics (formerly Invitae), Labcorp
Classification: Uncertain significance. Last evaluated: 2022-10-17. Review status: criteria provided, single submitter. Criteria: Invitae Variant Classification Sherloc (09022015). Collection method: clinical testing. Allele origin: germline.
Comment: This sequence change creates a premature translational stop signal (p.Gln66*) in the MOCS3 gene. While this is not anticipated to result in nonsense mediated decay, it is expected to disrupt the last 395 amino acid(s) of the MOCS3 protein. This variant is not present in population databases (gnomAD no frequency). This variant has not been reported in the literature in individuals affected with MOCS3-related conditions. Experimental studies and prediction algorithms are not available or were not evaluated, and the functional significance of this variant is currently unknown. In summary, the available evidence is currently insufficient to determine the role of this variant in disease. Therefore, it has been classified as a Variant of Uncertain Significance.

NM_014484.5(MOCS3):c.196C>T (p.Gln66Ter)

Gene: MOCS3 (molybdenum cofactor synthesis 3; plus strand). Cytogenetic location: 20q13.13.
Variant type: single nucleotide variant.
Coding change: c.196C>T on transcript NM_014484.5 (MANE Select); coding-DNA position 196, C replaced by T.
Protein change: p.Gln66Ter; replaces glutamine 66 with a stop codon.
Molecular consequence: nonsense.
Genome position (GRCh38, 1-based): chr20:50,959,038, C>T. VCF-style: chr20-50959038-C-T. GRCh37 (hg19) VCF-style: chr20-49575575-C-T.
Other names: short protein forms Q66*.
Identifiers: ClinVar variation 2024976 (VCV002024976.4), dbSNP rs2515743160, ClinGen allele CA408982106.